The following is an entry in ClinVar:

ClinVar aggregate classification (germline): Pathogenic/Likely pathogenic. Review status: criteria provided, multiple submitters, no conflicts (2 of 4 stars). 4 submissions from 4 submitters: Pathogenic (3); Likely pathogenic (1). Last evaluated 2025-09-26.

Conditions:
Fraser syndrome 1 (FRASRS1). Also called: CRYPTOPHTHALMOS WITH OTHER MALFORMATIONS. Identifiers: Orphanet 2052, MedGen C4551480, MONDO:0054737, OMIM 219000.

Allele frequency attached by ClinVar (database versions not stated): gnomAD exomes below 0.00001 and 0.00001; gnomAD 0.00001; TOPMed 0.00002.
gnomAD v4.1: 10 of 1,613,040 alleles (0.00062%); highest among the groups gnomAD compares: Non-Finnish European, 0.00085%; no homozygotes.

Submissions (4):

Women's Health and Genetics/Laboratory Corporation of America, LabCorp
Classification: Pathogenic for Fraser syndrome 1. Last evaluated: 2025-09-26. Review status: criteria provided, single submitter. Criteria: LabCorp Variant Classification Summary - May 2015. Collection method: clinical testing. Allele origin: germline.
Comment: Variant summary: FRAS1 c.10948C>T (p.Gln3650X) results in a premature termination codon, predicted to cause a truncation of the encoded protein or absence of the protein due to nonsense mediated decay, which are commonly known mechanisms for disease. The variant allele was found at a frequency of 4e-06 in 248528 control chromosomes. To our knowledge, no occurrence of c.10948C>T in individuals affected with FRAS1-related conditions and no experimental evidence demonstrating its impact on protein function have been reported. ClinVar contains an entry for this variant (Variation ID: 235316). Based on the evidence outlined above, the variant was classified as pathogenic.

Labcorp Genetics (formerly Invitae), Labcorp
Classification: Pathogenic. Last evaluated: 2025-01-14. Review status: criteria provided, single submitter. Criteria: Invitae Variant Classification Sherloc (09022015). Collection method: clinical testing. Allele origin: germline.
Comment: This sequence change creates a premature translational stop signal (p.Gln3650*) in the FRAS1 gene. It is expected to result in an absent or disrupted protein product. Loss-of-function variants in FRAS1 are known to be pathogenic (PMID: 12766769, 18671281). This variant is present in population databases (no rsID available, gnomAD 0.0009%). This premature translational stop signal has been observed in individual(s) with clinical features of FRAS1-related conditions (PMID: 30653986). ClinVar contains an entry for this variant (Variation ID: 235316). For these reasons, this variant has been classified as Pathogenic.

Fulgent Genetics
Classification: Likely pathogenic for Fraser syndrome 1. Last evaluated: 2022-05-09. Review status: criteria provided, single submitter. Criteria: ACMG Guidelines, 2015. Collection method: clinical testing. Allele origin: unknown.

Center for Pediatric Genomic Medicine, Children's Mercy Hospital and Clinics
Classification: Pathogenic. Last evaluated: 2015-01-30. Review status: criteria provided, single submitter. Criteria: ACMG Guidelines, 2015. Collection method: clinical testing. Allele origin: germline.

Literature cited by the submitters: PubMed 12766769 (cited by Labcorp Genetics (formerly Invitae), Labcorp); PubMed 18671281 (cited by Labcorp Genetics (formerly Invitae), Labcorp); PubMed 30653986 (cited by Labcorp Genetics (formerly Invitae), Labcorp).

NM_025074.7(FRAS1):c.10948C>T (p.Gln3650Ter)

Genes: FRAS1 (Fraser extracellular matrix complex subunit 1; plus strand), LOC126807089 (CDK7 strongly-dependent group 2 enhancer GRCh37_chr4:79455131-79456330; plus strand). Cytogenetic location: 4q21.21.
Variant type: single nucleotide variant.
Coding change: c.10948C>T on transcript NM_025074.7 (MANE Select); coding-DNA position 10948, C replaced by T.
Protein change: p.Gln3650Ter; replaces glutamine 3650 with a stop codon.
Molecular consequence: nonsense.
Genome position (GRCh38, 1-based): chr4:78,534,471, C>T. VCF-style: chr4-78534471-C-T. GRCh37 (hg19) VCF-style: chr4-79455625-C-T.
Other names: short protein forms Q3650*.
Identifiers: ClinVar variation 235316 (VCV000235316.6), dbSNP rs878853009, ClinGen allele CA10581274.
Genomic context (GRCh38, chr4:78,534,471, plus strand): 5'-CTGCTCTCAAAGAGCTCTTTGTTTCTCCTTGCATTTAGATTCCTGATACCCATTGCATTC[C>T]AGCAGACCAACCGCCCTGTGCCAGTTGTGTATTCACTTAACACTGAATTTCAGCTCTGCA-3'